The following is an entry in ClinVar:

NM_206933.4(USH2A):c.7717C>T (p.Arg2573Cys)

Gene: USH2A (usherin; minus strand). Cytogenetic location: 1q41.
Variant type: single nucleotide variant.
Coding change: c.7717C>T on transcript NM_206933.4 (MANE Select); coding-DNA position 7717, C replaced by T.
Protein change: p.Arg2573Cys; replaces arginine 2573 with cysteine.
Molecular consequence: missense variant.
Genome position (GRCh38, 1-based): chr1:215,888,932, G>A on the plus strand (C>T on the coding strand, the complement: USH2A is on the minus strand). VCF-style: chr1-215888932-G-A. GRCh37 (hg19) VCF-style: chr1-216062274-G-A.
Other names: c.7717C>T (NM_206933.2); short protein forms R2573C.
Identifiers: ClinVar variation 1213935 (VCV001213935.13), dbSNP rs140983855, ClinGen allele CA1394758.
Genomic context (GRCh38, chr1:215,888,932, plus strand): 5'-ATGGGTGTAAATGCATCACTGTGCAATTAGTGACATTTCCAGGAGTTCTCAAGTATAGAC[G>A]GCCATGTAGATAAATGTTATAATGGGTAATAACCCCATTGGATTTTCTAGGATGCTGCCA-3'
Protein context (NP_996816.3, residues 2563-2583): ITHYNIYLHG[Arg2573Cys]LYLRTPGNVT

ClinVar aggregate classification (germline): Uncertain significance. Review status: criteria provided, multiple submitters, no conflicts (2 of 4 stars). 9 submissions from 8 submitters: Uncertain significance (7). 2 of the submissions do not count toward it. Last evaluated 2025-06-29.

Conditions:
USH2A-related disorder. Also called: USH2A-related condition; USH2A-related disorders. Identifiers: MedGen CN239332.
Inborn genetic diseases. Identifiers: MedGen C0950123, MeSH D030342.
Retinitis pigmentosa 39 (RP39). Identifiers: Orphanet 791, MedGen C3151138, MONDO:0013436, OMIM 613809.
Usher syndrome type 2A. Also called: RETINAL DISEASE IN USHER SYNDROME TYPE IIA, MODIFIER OF; USHER SYNDROME, TYPE IIA. Identifiers: Orphanet 231178, Orphanet 886, MedGen C1848634, MONDO:0010169, OMIM 276901.

Allele frequency attached by ClinVar (database versions not stated): gnomAD exomes 0.00002 and 0.00005; ExAC 0.00006; gnomAD 0.00021 and 0.00022; ESP Exome Variant Server 0.00023; TOPMed 0.00028; 1000 Genomes Project 30x 0.00031; 1000 Genomes Project 0.00040.
gnomAD v4.1: 58 of 1,614,100 alleles (0.0036%); highest among the groups gnomAD compares: African/African-American, 0.048%; no homozygotes.

Submissions (9):

GeneDx
Classification: Uncertain significance. Last evaluated: 2025-06-29. Review status: criteria provided, single submitter. Criteria: GeneDx Variant Classification Process June 2021. Collection method: clinical testing. Allele origin: germline. Affected: yes.
Comment: Identified as a heterozygous variant in a patient with hearing loss who also harbored a number of other heterozygous variants in additional genes in published literature (PMID: 34515852); In silico analysis suggests that this missense variant does not alter protein structure/function; This variant is associated with the following publications: (PMID: 34515852)

Ambry Genetics
Classification: Uncertain significance for Inborn genetic diseases. Last evaluated: 2024-02-21. Review status: criteria provided, single submitter. Criteria: Ambry Variant Classification Scheme 2023. Collection method: clinical testing. Allele origin: germline.

Genome-Nilou Lab
Classification: Uncertain significance for Retinitis pigmentosa 39. Last evaluated: 2023-11-04. Review status: criteria provided, single submitter. Criteria: ACMG Guidelines, 2015. Collection method: clinical testing. Allele origin: germline. Affected: no.

Genome-Nilou Lab
Classification: Uncertain significance for Usher syndrome type 2A. Last evaluated: 2023-11-04. Review status: criteria provided, single submitter. Criteria: ACMG Guidelines, 2015. Collection method: clinical testing. Allele origin: germline. Affected: no.

Blueprint Genetics
Classification: Uncertain significance. Last evaluated: 2023-08-09. Review status: criteria provided, single submitter. Criteria: ACMG Guidelines, 2015. Collection method: clinical testing. Allele origin: germline.

Labcorp Genetics (formerly Invitae), Labcorp
Classification: Uncertain significance. Last evaluated: 2022-10-13. Review status: criteria provided, single submitter. Criteria: Invitae Variant Classification Sherloc (09022015). Collection method: clinical testing. Allele origin: germline.
Comment: This sequence change replaces arginine, which is basic and polar, with cysteine, which is neutral and slightly polar, at codon 2573 of the USH2A protein (p.Arg2573Cys). This variant is present in population databases (rs140983855, gnomAD 0.04%). This variant has not been reported in the literature in individuals affected with USH2A-related conditions. ClinVar contains an entry for this variant (Variation ID: 1213935). Advanced modeling of protein sequence and biophysical properties (such as structural, functional, and spatial information, amino acid conservation, physicochemical variation, residue mobility, and thermodynamic stability) performed at Invitae indicates that this missense variant is not expected to disrupt USH2A protein function. In summary, the available evidence is currently insufficient to determine the role of this variant in disease. Therefore, it has been classified as a Variant of Uncertain Significance.

DBGen Ocular Genomics
Classification: Uncertain significance for Retinitis pigmentosa 39. Last evaluated: 2021-06-23. Review status: criteria provided, single submitter. Criteria: ACMG Guidelines, 2015. Collection method: clinical testing. Allele origin: germline. Affected: yes. Observed: 1 variant allele.

PreventionGenetics, part of Exact Sciences
Classification: Uncertain significance for USH2A-related condition. Last evaluated: 2024-09-09. Review status: no assertion criteria provided. Collection method: clinical testing. Allele origin: germline. Not counted in ClinVar's aggregate classification.
Comment: The USH2A c.7717C>T variant is predicted to result in the amino acid substitution p.Arg2573Cys. To our knowledge, this variant has not been reported in the literature. This variant is reported in 0.040% of alleles in individuals of African descent in gnomAD. At this time, the clinical significance of this variant is uncertain due to the absence of conclusive functional and genetic evidence.

Natera, Inc.
Classification: Uncertain significance for Usher syndrome type 2A. Last evaluated: 2020-05-11. Review status: no assertion criteria provided. Collection method: clinical testing. Allele origin: germline. Not counted in ClinVar's aggregate classification.